The following is an entry in ClinVar:

ClinVar aggregate classification (germline): Conflicting classifications of pathogenicity. Review status: criteria provided, conflicting classifications (1 of 4 stars). 12 submissions from 12 submitters: Uncertain significance (9); Likely benign (2). 1 of the submissions does not count toward it. Last evaluated 2026-08-26.

Conditions:
AMPD1-related disorder. Also called: AMPD1-related condition.
Muscle AMP deaminase deficiency (MMDD). Also called: Myoadenylate deaminase deficiency, myopathy due to; Adenosine monophosphate deaminase 1 deficiency; AMP deaminase 1 deficiency; Adenosine Monophosphate Deaminase 1; AMPD1 DEFICIENCY; ADENOSINE MONOPHOSPHATE DEAMINASE-1 DEFICIENCY, MYOPATHY DUE TO. Identifiers: Orphanet 45, MedGen C3714933, MONDO:0014220, OMIM 615511.

Allele frequency attached by ClinVar (database versions not stated): ExAC 0.00313; gnomAD 0.00370 and 0.00384; TOPMed 0.00439; 1000 Genomes Project 30x 0.00297; gnomAD exomes 0.00330 and 0.00418; 1000 Genomes Project 0.00260; ESP Exome Variant Server 0.00384.
gnomAD v4.1: 6,673 of 1,614,150 alleles (0.41%); highest among the groups gnomAD compares: Admixed American, 0.64%; 18 homozygotes.

Submissions (12):

PreventionGenetics, part of Exact Sciences
Classification: Uncertain significance for AMPD1-related condition. Last evaluated: 2026-08-26. Review status: criteria provided, single submitter. Criteria: ACMG Guidelines, 2015. Collection method: clinical testing. Allele origin: germline.
Comment: The AMPD1 c.1029G>T variant is predicted to result in the amino acid substitution p.Met343Ile. This variant, referred to as c.1017G>T p.Met339Ile in alternate transcript NM_001172626 or as c.930G>T p.Met310Ile in the MANE select transcript NM_000036.3, has been reported in individuals with myopathy (Toyama et al. 2004. PubMed ID: 15173240), in an individual with dyslipidemia (Supp Table 6, Johansen et al. 2014. PubMed ID: 24503134), in individuals with muscle weakness (Table S1, Monies et al. 2019. PubMed ID: 31130284; Table S3A, Salfati et al. 2019. PubMed ID: 31847883), and in an individual with exertional heat illness (Gardner et al. 2020. PubMed ID: 32054689). Functional studies suggest that this variant impacts protein function showing 33-50% catalytic activity compared to wild type (Toyama et al. 2004. PubMed ID: 15173240). This variant is reported in 0.68% of alleles in individuals of Ashkenazi Jewish descent in gnomAD, including 3 homozygotes. Although we suspect that this variant may be benign, at this time, the clinical significance of this variant is uncertain due to the absence of conclusive functional and genetic evidence.

CeGaT Center for Human Genetics Tuebingen
Classification: Uncertain significance. Last evaluated: 2026-06-01. Review status: criteria provided, single submitter. Criteria: CeGaT Center For Human Genetics Tuebingen Variant Classification Criteria Version 2. Collection method: clinical testing. Allele origin: germline. Affected: yes. Observed: 8 variant alleles.
Comment: AMPD1: PM2:Supporting, PP3, PS3:Supporting

Labcorp Genetics (formerly Invitae), Labcorp
Classification: Likely benign for Muscle AMP deaminase deficiency. Last evaluated: 2026-02-01. Review status: criteria provided, single submitter. Criteria: Invitae Variant Classification Sherloc (09022015). Collection method: clinical testing. Allele origin: germline.

GeneDx
Classification: Uncertain significance. Last evaluated: 2025-10-07. Review status: criteria provided, single submitter. Criteria: GeneDx Variant Classification Process June 2021. Collection method: clinical testing. Allele origin: germline. Affected: yes.
Comment: In silico analysis supports that this missense variant has a deleterious effect on protein structure/function; This variant is associated with the following publications: (PMID: 26764160, 29431110, 34426522, 15173240, 31130284, 31847883, 32054689, 24503134)

Women's Health and Genetics/Laboratory Corporation of America, LabCorp
Classification: Likely benign. Last evaluated: 2025-09-09. Review status: criteria provided, single submitter. Criteria: LabCorp Variant Classification Summary - May 2015. Collection method: clinical testing. Allele origin: germline.
Comment: Variant summary: AMPD1 c.930G>T (p.Met310Ile) results in a conservative amino acid change in the encoded protein sequence. Algorithms developed to predict the effect of missense changes on protein structure and function are either unavailable or do not agree on the potential impact of this missense change. The variant allele was found at a frequency of 0.0033 in 251424 control chromosomes in the gnomAD database, including 3 homozygotes. The observed variant frequency exceeds the estimated maximal expected allele frequency for disease-causing variants in AMPD1. c.930G>T has been observed in individuals affected with myopathy, muscle weakness, or hypercholesterolaemia (e.g., Toyama_2004, Johansen_2014, Saltafi_2019). These reports do not provide unequivocal conclusions about association of the variant with Muscle AMP Deaminase Deficiency. At least one publication reports experimental evidence evaluating an impact on protein function. The most pronounced variant effect results in 30%-50% of normal activity (Toyama_2004). The following publications have been ascertained in the context of this evaluation (PMID: 24503134, 31847883, 15173240). ClinVar contains an entry for this variant (Variation ID: 92330). Based on the evidence outlined above, the variant was classified as likely benign.

Revvity Omics, Revvity
Classification: Uncertain significance for Muscle AMP deaminase deficiency. Last evaluated: 2025-04-02. Review status: criteria provided, single submitter. Criteria: ACMG Guidelines, 2015. Collection method: clinical testing. Allele origin: germline.

Blueprint Genetics
Classification: Uncertain significance. Last evaluated: 2024-11-26. Review status: criteria provided, single submitter. Criteria: ACMG Guidelines, 2015. Collection method: clinical testing. Allele origin: germline.

Department of Pathology and Laboratory Medicine, Sinai Health System
Classification: Uncertain significance for myopathy due to myoadenylate deaminase deficiency. Last evaluated: 2023-06-28. Review status: criteria provided, single submitter. Criteria: ACMG Guidelines, 2015. Collection method: research. Allele origin: germline.

Eurofins Ntd Llc (ga)
Classification: Uncertain significance. Last evaluated: 2018-07-24. Review status: criteria provided, single submitter. Criteria: EGL ClinVar v180209 classification definitions. Collection method: clinical testing. Allele origin: germline. Observed: 21 variant alleles, 21 heterozygotes.

Mayo Clinic Laboratories, Mayo Clinic
Classification: Uncertain significance for Muscle AMP deaminase deficiency. Last evaluated: 2017-05-26. Review status: criteria provided, single submitter. Criteria: ACMG Guidelines, 2015. Collection method: clinical testing. Allele origin: maternal.

Center for Pediatric Genomic Medicine, Children's Mercy Hospital and Clinics
Classification: Uncertain significance. Last evaluated: 2017-04-24. Review status: criteria provided, single submitter. Criteria: ACMG Guidelines, 2015. Collection method: clinical testing. Allele origin: germline.

Clinical Genomics Laboratory, Stanford Medicine
Classification: Uncertain significance for Muscle AMP deaminase deficiency. Last evaluated: 2021-01-06. Review status: no assertion criteria provided. Collection method: clinical testing. Allele origin: germline. Inheritance: Autosomal recessive inheritance. Affected: yes. Observed: 1 heterozygote. Not counted in ClinVar's aggregate classification.
Comment: The p.Met343Ile variant in the AMPD1 gene has been previously reported in at least 3 unrelated individuals, including 1 individual who was heterozygous for this variant with progressive muscle weakness, high creatine, and utilized a wheelchair (Monies et al., 2019), 1 individual with myopathy without information to determine zygosity (Toyama et al., 2004), and at least 1 individual without information regarding clinical features or information to determine zygosity (Reuter et al., 2018). The highest allele frequency of this variant in a non-founder population was identified in the Latino/Admixed American population at 170/35,438 chromosomes (0.48%) by the Genome Aggregation Database. Functional studies of the p.Met343Ile variant are supportive of a deleterious effect to the protein; however, it is unclear if this would be sufficient to be disease-causing (Toyama et al., 2004). Computational tools predict that this variant is deleterious; however, the accuracy of in silico algorithms is limited. These data were assessed using the ACMG/AMP variant interpretation guidelines. In summary, the significance of the p.Met343Ile variant is uncertain. Additional information is needed to resolve the significance of this variant. [ACMG evidence codes used: PP3]

Literature cited by the submitters: PubMed 24503134 (cited by Women's Health and Genetics/Laboratory Corporation of America, LabCorp); PubMed 31847883 (cited by Women's Health and Genetics/Laboratory Corporation of America, LabCorp); PubMed 15173240 (cited by Women's Health and Genetics/Laboratory Corporation of America, LabCorp and Eurofins Ntd Llc (ga)).

NM_000036.3(AMPD1):c.930G>T (p.Met310Ile)

Gene: AMPD1 (adenosine monophosphate deaminase 1; minus strand). Cytogenetic location: 1p13.2.
Variant type: single nucleotide variant.
Coding change: c.930G>T on transcript NM_000036.3 (MANE Select); coding-DNA position 930, G replaced by T.
Protein change: p.Met310Ile; replaces methionine 310 with isoleucine.
Molecular consequence: missense variant.
Genome position (GRCh38, 1-based): chr1:114,678,495, C>A on the plus strand (G>T on the coding strand, the complement: AMPD1 is on the minus strand). VCF-style: chr1-114678495-C-A. GRCh37 (hg19) VCF-style: chr1-115221116-C-A.
Other names: c.918G>T, p.Met306Ile (NM_001172626.2); short protein forms M343I, M306I, M310I.
Identifiers: ClinVar variation 92330 (VCV000092330.67), dbSNP rs61752478, ClinGen allele CA145616.